The following is an entry in ClinVar:

NM_001195263.2(PDZD7):c.679C>T (p.Arg227Cys)

Gene: PDZD7 (PDZ domain containing 7; minus strand). Cytogenetic location: 10q24.31.
Variant type: single nucleotide variant.
Coding change: c.679C>T on transcript NM_001195263.2 (MANE Select); coding-DNA position 679, C replaced by T.
Protein change: p.Arg227Cys; replaces arginine 227 with cysteine.
Molecular consequence: missense variant.
Genome position (GRCh38, 1-based): chr10:101,022,249, G>A on the plus strand (C>T on the coding strand, the complement: PDZD7 is on the minus strand). VCF-style: chr10-101022249-G-A. GRCh37 (hg19) VCF-style: chr10-102782006-G-A.
Other names: c.679C>T, p.Arg227Cys (NM_001351044.2, NM_024895.5); short protein forms R227C.
Identifiers: ClinVar variation 1037393 (VCV001037393.6), dbSNP rs879714657, ClinGen allele CA212988342.

ClinVar aggregate classification (germline): Uncertain significance (1 of 4 stars; one submission).

Allele frequency attached by ClinVar (database versions not stated): TOPMed below 0.00001; gnomAD exomes 0.00001; gnomAD 0.00002.

Submission:

Labcorp Genetics (formerly Invitae), Labcorp
Classification: Uncertain significance. Last evaluated: 2022-06-14. Review status: criteria provided, single submitter. Criteria: Invitae Variant Classification Sherloc (09022015). Collection method: clinical testing. Allele origin: germline.
Comment: This variant has not been reported in the literature in individuals affected with PDZD7-related conditions. In summary, the available evidence is currently insufficient to determine the role of this variant in disease. Therefore, it has been classified as a Variant of Uncertain Significance. Algorithms developed to predict the effect of missense changes on protein structure and function are either unavailable or do not agree on the potential impact of this missense change (SIFT: "Deleterious"; PolyPhen-2: "Not Available"; Align-GVGD: "Class C65"). ClinVar contains an entry for this variant (Variation ID: 1037393). This variant is present in population databases (no rsID available, gnomAD 0.004%). This sequence change replaces arginine, which is basic and polar, with cysteine, which is neutral and slightly polar, at codon 227 of the PDZD7 protein (p.Arg227Cys).